The following is an entry in ClinVar:

NM_000062.3(SERPING1):c.685+4dup

Gene: SERPING1 (serpin family G member 1; plus strand). Cytogenetic location: 11q12.1.
Variant type: Duplication.
Coding change: c.685+4dup on transcript NM_000062.3 (MANE Select); 4 bases into the intron after coding-DNA position 685, one base duplicated (A; older notation c.685+4dupA).
Molecular consequence: intron variant.
Genome position (GRCh38, 1-based): chr11:57,602,173, A duplicated. VCF-style (leftmost placement, unchanged base first): chr11-57602172-G-GA. GRCh37 (hg19) VCF-style: chr11-57369645-G-GA.
Other names: c.685+4dup (NM_001032295.2).
Identifiers: ClinVar variation 3336799 (VCV003336799.2).

ClinVar aggregate classification (germline): Likely pathogenic (1 of 4 stars; one submission).

Conditions:
Hereditary angioedema type 1 (HAE1). Identifiers: Orphanet 100050, Orphanet 100051, Orphanet 91378, MedGen C2717906, MONDO:0015053, OMIM 106100.

Submission:

DNA-diagnostics Laboratory, Research Centre For Medical Genetics
Classification: Likely pathogenic for Hereditary angioedema type 1. Last evaluated: 2024-08-10. Review status: criteria provided, single submitter. Criteria: ACMG Guidelines, 2015. Collection method: research. Allele origin: germline, not applicable. Inheritance: Autosomal dominant inheritance. Affected: yes. Observed: 7 variant alleles, 7 heterozygotes. Clinical features observed: Angioedema (HP:0100665), C1 esterase inhibitor deficiency.
Comment: The pathogenic or likely pathogenic SERPING1 gene variants are detected in >90% of the HAE1/2 families and in >80% of the total HAE families (e.g., DOI: 10.1016/j.molimm.2008.05.007, 10.1159/2F000138883, 10.1016/j.molimm.2011.07.010). The c.685+4dup variant in SERPING1 was observed in 1 HAE1 family and segregated with the disease in 7 members. In vitro functional studies have indicated that this variant disrupts wild donor splice site and forms cryptic splice site with following to transcript with the p.Gly217_Pro228del deletion sintesis (10.3390/biomedicines12010072). The c.685+4dup variant in SERPING1 meets ACMG/ClinGen SVI guidance criteria to be classified as likely pathogenic: PP4_Str, PM4, PM2_Sup, PP1

Literature cited by the submitters: DOI 10.3390/biomedicines12010072; DOI 10.1016/j.molimm.2008.05.007; DOI 10.1159/2F000138883; DOI 10.1016/j.molimm.2011.07.010.